The following is an entry in ClinVar:

ClinVar aggregate classification (germline): Uncertain significance. Review status: criteria provided, multiple submitters, no conflicts (2 of 4 stars). 2 submissions from 2 submitters: Uncertain significance (2). Last evaluated 2024-09-12.

Conditions:
Inborn genetic diseases. Identifiers: MedGen C0950123, MeSH D030342.

Allele frequency attached by ClinVar (database versions not stated): ExAC 0.00002; TOPMed 0.00002; gnomAD 0.00002; gnomAD exomes 0.00003.
gnomAD v4.1: 41 of 1,614,036 alleles (0.0025%); highest among the groups gnomAD compares: Middle Eastern, 0.016%; no homozygotes.

Submissions (2):

Ambry Genetics
Classification: Uncertain significance for Inborn genetic diseases. Last evaluated: 2024-09-12. Review status: criteria provided, single submitter. Criteria: Ambry Variant Classification Scheme 2023. Collection method: clinical testing. Allele origin: germline.

Labcorp Genetics (formerly Invitae), Labcorp
Classification: Uncertain significance. Last evaluated: 2021-12-02. Review status: criteria provided, single submitter. Criteria: Invitae Variant Classification Sherloc (09022015). Collection method: clinical testing. Allele origin: germline.
Comment: In summary, the available evidence is currently insufficient to determine the role of this variant in disease. Therefore, it has been classified as a Variant of Uncertain Significance. Algorithms developed to predict the effect of missense changes on protein structure and function (SIFT, PolyPhen-2, Align-GVGD) all suggest that this variant is likely to be disruptive. This variant has not been reported in the literature in individuals affected with STAMBP-related conditions. This variant is present in population databases (rs778944371, gnomAD 0.005%). This sequence change replaces arginine, which is basic and polar, with lysine, which is basic and polar, at codon 148 of the STAMBP protein (p.Arg148Lys).

NM_213622.4(STAMBP):c.443G>A (p.Arg148Lys)

Gene: STAMBP (STAM binding protein; plus strand). Cytogenetic location: 2p13.1.
Variant type: single nucleotide variant.
Coding change: c.443G>A on transcript NM_213622.4 (MANE Select); coding-DNA position 443, G replaced by A.
Protein change: p.Arg148Lys; replaces arginine 148 with lysine.
Molecular consequence: missense variant. On other transcripts: non-coding transcript variant (4).
Genome position (GRCh38, 1-based): chr2:73,847,454, G>A. VCF-style: chr2-73847454-G-A. GRCh37 (hg19) VCF-style: chr2-74074581-G-A.
Other names: c.443G>A, p.Arg148Lys (NM_001353967.2, NM_001353968.2, NM_001353969.2 and 3 more transcripts); c.38G>A, p.Arg13Lys (NM_001353971.2, NM_001353972.2, NM_001353973.2 and 3 more transcripts); c.443G>A (NM_213622.2); short protein forms R13K, R148K.
Identifiers: ClinVar variation 2069879 (VCV002069879.5), dbSNP rs778944371, ClinGen allele CA1717554.
Genomic context (GRCh38, chr2:73,847,454, plus strand): 5'-AAGCAGAGGAATTGGCCCGGAACATGGCCATCCAGCAAGAGCTGGAAAAGGAAAAACAGA[G>A]GGTAGCACAACAGAAGCAGCAGCAATTGGAACAGGAACAGTTCCATGCCTTCGAGGAGAT-3'
Protein context (NP_998787.1, residues 138-158): IQQELEKEKQ[Arg148Lys]VAQQKQQQLE